The following is an entry in ClinVar:

NM_001375405.1(CEP120):c.736G>A (p.Glu246Lys)

Gene: CEP120 (centrosomal protein 120; minus strand). Cytogenetic location: 5q23.2.
Variant type: single nucleotide variant.
Coding change: c.736G>A on transcript NM_001375405.1 (MANE Select); coding-DNA position 736, G replaced by A.
Protein change: p.Glu246Lys; replaces glutamic acid 246 with lysine.
Molecular consequence: missense variant. On other transcripts: non-coding transcript variant (1).
Genome position (GRCh38, 1-based): chr5:123,393,374, C>T on the plus strand (G>A on the coding strand, the complement: CEP120 is on the minus strand). VCF-style: chr5-123393374-C-T. GRCh37 (hg19) VCF-style: chr5-122729068-C-T.
Other names: c.658G>A, p.Glu220Lys (NM_001166226.2); c.736G>A, p.Glu246Lys (NM_001375406.1, NM_001375407.1, NM_153223.4); c.163G>A, p.Glu55Lys (NM_001375408.1, NM_001375409.1); short protein forms E246K, E55K, E220K.
Identifiers: ClinVar variation 2004071 (VCV002004071.4), dbSNP rs1261544137, ClinGen allele CA360892635.
Genomic context (GRCh38, chr5:123,393,374, plus strand): 5'-GAAGAGCCAGGTAAACACGAAGAATTTCTACACTGCTACGGATGCGAACTGATGCTCTCT[C>T]TGGCTCAAAGTTTGGGTTGATTAAATCATTGAAGGGTTCATTTGTAACATCATTTCCCAG-3'
Protein context (NP_001362334.1, residues 236-256): NDLINPNFEP[Glu246Lys]RASVRIRSSV

ClinVar aggregate classification (germline): Uncertain significance (1 of 4 stars; one submission).

Conditions:
Short-rib thoracic dysplasia 13 with or without polydactyly (SRTD13). Identifiers: Orphanet 474, MedGen C4225378, MONDO:0014577, OMIM 616300.

Allele frequency attached by ClinVar (database versions not stated): gnomAD exomes below 0.00001; gnomAD 0.00001; TOPMed 0.00002.
gnomAD v4.1: 3 of 1,614,040 alleles (0.00019%); highest among the groups gnomAD compares: African/African-American, 0.004%; no homozygotes.

Submission:

Labcorp Genetics (formerly Invitae), Labcorp
Classification: Uncertain significance for Short-rib thoracic dysplasia 13 with or without polydactyly. Last evaluated: 2025-06-12. Review status: criteria provided, single submitter. Criteria: Invitae Variant Classification Sherloc (09022015). Collection method: clinical testing. Allele origin: germline.
Comment: This sequence change replaces glutamic acid, which is acidic and polar, with lysine, which is basic and polar, at codon 246 of the CEP120 protein (p.Glu246Lys). This variant is present in population databases (no rsID available, gnomAD 0.01%). This variant has not been reported in the literature in individuals affected with CEP120-related conditions. ClinVar contains an entry for this variant (Variation ID: 2004071). Invitae Evidence Modeling of protein sequence and biophysical properties (such as structural, functional, and spatial information, amino acid conservation, physicochemical variation, residue mobility, and thermodynamic stability) indicates that this missense variant is expected to disrupt CEP120 protein function with a positive predictive value of 80%. In summary, the available evidence is currently insufficient to determine the role of this variant in disease. Therefore, it has been classified as a Variant of Uncertain Significance.